The following is an entry in ClinVar:

NM_000214.3(JAG1):c.349del (p.Arg117fs)

Gene: JAG1 (jagged canonical Notch ligand 1; minus strand). Cytogenetic location: 20p12.2.
Variant type: Deletion.
Coding change: c.349del on transcript NM_000214.3 (MANE Select); coding-DNA position 349, one base deleted (C; older notation c.349delC).
Protein change: p.Arg117fs; shifts the reading frame from arginine 117.
Molecular consequence: frameshift variant.
Genome position (GRCh38, 1-based): chr20:10,672,739, G deleted on the plus strand (C on the coding strand, the reverse complement: JAG1 is on the minus strand); the first of 2 consecutive G bases (chr20:10,672,739-10,672,740); deleting either gives the same sequence. VCF-style (leftmost placement, unchanged base first): chr20-10672738-CG-C. GRCh37 (hg19) VCF-style: chr20-10653386-CG-C.
Other names: short protein forms R117fs.
Identifiers: ClinVar variation 2081364 (VCV002081364.4), dbSNP rs886041727, ClinGen allele CA2580097854.

ClinVar aggregate classification (germline): Pathogenic (1 of 4 stars; one submission).

Conditions:
Alagille syndrome due to a JAG1 point mutation. Also called: HEPATIC DUCTULAR HYPOPLASIA, SYNDROMATIC; JAG1-Related Alagille Syndrome; Alagille Syndrome 1. Identifiers: Orphanet 261619, Orphanet 52, MedGen C1956125, MONDO:0016862, OMIM 118450.

Submission:

Labcorp Genetics (formerly Invitae), Labcorp
Classification: Pathogenic for Alagille syndrome due to a JAG1 point mutation. Last evaluated: 2024-02-24. Review status: criteria provided, single submitter. Criteria: Invitae Variant Classification Sherloc (09022015). Collection method: clinical testing. Allele origin: germline.
Comment: This sequence change creates a premature translational stop signal (p.Arg117Alafs*44) in the JAG1 gene. It is expected to result in an absent or disrupted protein product. Loss-of-function variants in JAG1 are known to be pathogenic (PMID: 11180599). This variant is not present in population databases (gnomAD no frequency). This variant has not been reported in the literature in individuals affected with JAG1-related conditions. ClinVar contains an entry for this variant (Variation ID: 2081364). For these reasons, this variant has been classified as Pathogenic.

Literature cited by the submitters: PubMed 11180599.